The following is an entry in ClinVar:

NM_033026.6(PCLO):c.4546A>G (p.Ser1516Gly)

Gene: PCLO (piccolo presynaptic cytomatrix protein; minus strand). Cytogenetic location: 7q21.11.
Variant type: single nucleotide variant.
Coding change: c.4546A>G on transcript NM_033026.6 (MANE Select); coding-DNA position 4546, A replaced by G.
Protein change: p.Ser1516Gly; replaces serine 1516 with glycine.
Molecular consequence: missense variant.
Genome position (GRCh38, 1-based): chr7:82,956,407, T>C on the plus strand (A>G on the coding strand, the complement: PCLO is on the minus strand). VCF-style: chr7-82956407-T-C. GRCh37 (hg19) VCF-style: chr7-82585723-T-C.
Other names: c.4546A>G, p.Ser1516Gly (NM_014510.3); short protein forms S1516G.
Identifiers: ClinVar variation 1477402 (VCV001477402.6), dbSNP rs1313050174, ClinGen allele CA367926523.

ClinVar aggregate classification (germline): Uncertain significance (1 of 4 stars; one submission).

Allele frequency attached by ClinVar (database versions not stated): TOPMed below 0.00001.

Submission:

Labcorp Genetics (formerly Invitae), Labcorp
Classification: Uncertain significance. Last evaluated: 2021-10-04. Review status: criteria provided, single submitter. Criteria: Invitae Variant Classification Sherloc (09022015). Collection method: clinical testing. Allele origin: germline.
Comment: This variant is not present in population databases (ExAC no frequency). In summary, the available evidence is currently insufficient to determine the role of this variant in disease. Therefore, it has been classified as a Variant of Uncertain Significance. Algorithms developed to predict the effect of missense changes on protein structure and function are either unavailable or do not agree on the potential impact of this missense change (SIFT: "Deleterious"; PolyPhen-2: "Not Available"; Align-GVGD: "Class C0"). This variant has not been reported in the literature in individuals affected with PCLO-related conditions. This sequence change replaces serine with glycine at codon 1516 of the PCLO protein (p.Ser1516Gly). The serine residue is moderately conserved and there is a small physicochemical difference between serine and glycine.